The following is an entry in ClinVar:

NM_015338.6(ASXL1):c.2489C>T (p.Ala830Val)

Gene: ASXL1 (ASXL transcriptional regulator 1; plus strand). Cytogenetic location: 20q11.21.
Variant type: single nucleotide variant.
Coding change: c.2489C>T on transcript NM_015338.6 (MANE Select); coding-DNA position 2489, C replaced by T.
Protein change: p.Ala830Val; replaces alanine 830 with valine.
Molecular consequence: missense variant.
Genome position (GRCh38, 1-based): chr20:32,435,201, C>T. VCF-style: chr20-32435201-C-T. GRCh37 (hg19) VCF-style: chr20-31023004-C-T.
Other names: c.2306C>T, p.Ala769Val (NM_001363734.1); short protein forms A769V, A830V.
Identifiers: ClinVar variation 4588754 (VCV004588754.1).
Genomic context (GRCh38, chr20:32,435,201, plus strand): 5'-ACAATGGTCCCATTCCGTCTCTAGTGGGAGATGATACATTAGAGAAAGGAACTGGCCAAG[C>T]TCTTGACAGTCATCCCACTATGAAGGATCCTGTAAATGTGACCCCCAGTTCCACACCTGA-3'
Protein context (NP_056153.2, residues 820-840): DDTLEKGTGQ[Ala830Val]LDSHPTMKDP

ClinVar aggregate classification (germline): Uncertain significance (1 of 4 stars; one submission).

Conditions:
Inborn genetic diseases. Identifiers: MedGen C0950123, MeSH D030342.

Submission:

Ambry Genetics
Classification: Uncertain significance for Inborn genetic diseases. Last evaluated: 2025-11-24. Review status: criteria provided, single submitter. Criteria: Ambry Variant Classification Scheme 2023. Collection method: clinical testing. Allele origin: germline.
Comment: The p.A830V variant (also known as c.2489C>T), located in coding exon 13 of the ASXL1 gene, results from a C to T substitution at nucleotide position 2489. The alanine at codon 830 is replaced by valine, an amino acid with similar properties. This amino acid position is conserved. In addition, this alteration is predicted to be tolerated by in silico analysis. Based on the available evidence, the clinical significance of this variant remains unclear.